The following is an entry in ClinVar:

ClinVar aggregate classification (germline): Uncertain significance (1 of 4 stars; one submission).

Allele frequency attached by ClinVar (database versions not stated): gnomAD exomes below 0.00001 and 0.00001; ExAC 0.00001; gnomAD 0.00001; TOPMed 0.00001.
gnomAD v4.1: 14 of 1,614,002 alleles (0.00087%); highest among the groups gnomAD compares: East Asian, 0.0045%; no homozygotes.

Submission:

Labcorp Genetics (formerly Invitae), Labcorp
Classification: Uncertain significance. Last evaluated: 2024-05-06. Review status: criteria provided, single submitter. Criteria: Invitae Variant Classification Sherloc (09022015). Collection method: clinical testing. Allele origin: germline.
Comment: This sequence change replaces arginine, which is basic and polar, with cysteine, which is neutral and slightly polar, at codon 1224 of the SRCAP protein (p.Arg1224Cys). This variant is present in population databases (rs766377461, gnomAD 0.004%). This variant has not been reported in the literature in individuals affected with SRCAP-related conditions. ClinVar contains an entry for this variant (Variation ID: 1362547). Advanced modeling of protein sequence and biophysical properties (such as structural, functional, and spatial information, amino acid conservation, physicochemical variation, residue mobility, and thermodynamic stability) performed at Invitae indicates that this missense variant is not expected to disrupt SRCAP protein function with a negative predictive value of 80%. In summary, the available evidence is currently insufficient to determine the role of this variant in disease. Therefore, it has been classified as a Variant of Uncertain Significance.

NM_006662.3(SRCAP):c.3670C>T (p.Arg1224Cys)

Gene: SRCAP (Snf2 related CREBBP activator protein; plus strand). Cytogenetic location: 16p11.2.
Variant type: single nucleotide variant.
Coding change: c.3670C>T on transcript NM_006662.3 (MANE Select); coding-DNA position 3670, C replaced by T.
Protein change: p.Arg1224Cys; replaces arginine 1224 with cysteine.
Molecular consequence: missense variant.
Genome position (GRCh38, 1-based): chr16:30,722,250, C>T. VCF-style: chr16-30722250-C-T. GRCh37 (hg19) VCF-style: chr16-30733571-C-T.
Other names: short protein forms R1224C.
Identifiers: ClinVar variation 1362547 (VCV001362547.6), dbSNP rs766377461, ClinGen allele CA8011533.